The following is an entry in ClinVar:

ClinVar aggregate classification (germline): Pathogenic (1 of 4 stars; one submission).

Submission:

Labcorp Genetics (formerly Invitae), Labcorp
Classification: Pathogenic. Last evaluated: 2021-04-09. Review status: criteria provided, single submitter. Criteria: Invitae Variant Classification Sherloc (09022015). Collection method: clinical testing. Allele origin: germline.
Comment: For these reasons, this variant has been classified as Pathogenic. This variant has not been reported in the literature in individuals with CYP11B2-related conditions. This variant is not present in population databases (ExAC no frequency). This sequence change creates a premature translational stop signal (p.Leu345Glnfs*4) in the CYP11B2 gene. It is expected to result in an absent or disrupted protein product. Loss-of-function variants in CYP11B2 are known to be pathogenic (PMID: 20494601, 22801770, 26936515).

Literature cited by the submitters: PubMed 20494601; PubMed 22801770; PubMed 26936515.

NM_000498.3(CYP11B2):c.1034_1047del (p.Leu345fs)

Genes: CYP11B2 (cytochrome P450 family 11 subfamily B member 2; minus strand), LOC106799834 (CYP11B2 recombination region; plus strand). Cytogenetic location: 8q24.3.
Variant type: Deletion.
Coding change: c.1034_1047del on transcript NM_000498.3 (MANE Select); coding-DNA positions 1034 to 1047, 14 bases deleted (TGGCCGCCGCAGCC).
Protein change: p.Leu345fs; shifts the reading frame from leucine 345.
Molecular consequence: frameshift variant.
Genome position (GRCh38, 1-based): chr8:142,913,359-142,913,372, GGCTGCGGCGGCCA deleted on the plus strand (TGGCCGCCGCAGCC on the coding strand, the reverse complement: CYP11B2 is on the minus strand); deleting any 14 consecutive bases within chr8:142,913,359-142,913,376 gives the same sequence; the c. name uses the placement nearest the transcript's 3' end. VCF-style (leftmost placement, unchanged base first): chr8-142913358-TGGCTGCGGCGGCCA-T. GRCh37 (hg19) VCF-style: chr8-143994774-TGGCTGCGGCGGCCA-T.
Other names: short protein forms L345fs.
Identifiers: ClinVar variation 1414779 (VCV001414779.6), dbSNP rs2130326509, ClinGen allele CA2573142870.